The following is an entry in ClinVar:

NM_006383.4(CIB2):c.393G>A (p.Thr131=)

Gene: CIB2 (calcium and integrin binding family member 2; minus strand). Cytogenetic location: 15q25.1.
Variant type: single nucleotide variant.
Coding change: c.393G>A on transcript NM_006383.4 (MANE Select); coding-DNA position 393, G replaced by A.
Protein change: p.Thr131=; no amino-acid change (threonine 131 retained).
Molecular consequence: synonymous variant. On other transcripts: non-coding transcript variant (1).
Genome position (GRCh38, 1-based): chr15:78,105,888, C>T on the plus strand (G>A on the coding strand, the complement: CIB2 is on the minus strand). VCF-style: chr15-78105888-C-T. GRCh37 (hg19) VCF-style: chr15-78398230-C-T.
Other names: p.Thr131=; c.264G>A, p.Thr88= (NM_001271888.2); c.246G>A, p.Thr82= (NM_001271889.2); c.408G>A, p.Thr136= (NM_001301224.2).
Identifiers: ClinVar variation 226516 (VCV000226516.15), dbSNP rs34057735, ClinGen allele CA7680178.

ClinVar aggregate classification (germline): Benign. Review status: criteria provided, multiple submitters, no conflicts (2 of 4 stars). 6 submissions from 6 submitters: Benign (6). Last evaluated 2026-02-04.

Allele frequency attached by ClinVar (database versions not stated): gnomAD 0.05121 and 0.04831; ExAC 0.05240; ESP Exome Variant Server 0.04785; 1000 Genomes Project 0.07788; 1000 Genomes Project 30x 0.07870; TOPMed 0.04910; gnomAD exomes 0.05035.

Submissions (6):

Labcorp Genetics (formerly Invitae), Labcorp
Classification: Benign. Last evaluated: 2026-02-04. Review status: criteria provided, single submitter. Criteria: Invitae Variant Classification Sherloc (09022015). Collection method: clinical testing. Allele origin: germline.

Mayo Clinic Laboratories, Mayo Clinic
Classification: Benign. Last evaluated: 2020-10-02. Review status: criteria provided, single submitter. Criteria: ACMG Guidelines, 2015. Collection method: clinical testing. Allele origin: germline. Observed: 11 variant alleles.

GeneDx
Classification: Benign. Last evaluated: 2017-10-20. Review status: criteria provided, single submitter. Criteria: GeneDx Variant Classification (06012015). Collection method: clinical testing. Allele origin: germline. Affected: yes.
Comment: This variant is considered likely benign or benign based on one or more of the following criteria: it is a conservative change, it occurs at a poorly conserved position in the protein, it is predicted to be benign by multiple in silico algorithms, and/or has population frequency not consistent with disease.

Laboratory for Molecular Medicine, Mass General Brigham Personalized Medicine
Classification: Benign. Last evaluated: 2014-11-24. Review status: criteria provided, single submitter. Criteria: LMM Criteria. Collection method: clinical testing. Allele origin: germline. Observed: 84 variant alleles.
Comment: Thr131Thr in exon 5 of CIB2: This variant is not expected to have clinical signi ficance because it does not alter an amino acid residue and is not located withi n the splice consensus sequence. It has been identified in 7.6% (335/4392) of Af rican American chromosomes from a broad population by the NHLBI Exome Sequencing Project (dbSNP rs34057735).

Breakthrough Genomics
Classification: Benign. Review status: criteria provided, single submitter. Criteria: ACMG Guidelines, 2015. Collection method: not provided. Allele origin: germline. Inheritance: Autosomal recessive inheritance. Affected: yes.

PreventionGenetics, part of Exact Sciences
Classification: Benign. Review status: criteria provided, single submitter. Criteria: ACMG Guidelines, 2015. Collection method: clinical testing. Allele origin: germline.